The following is an entry in ClinVar:

NM_004356.4(CD81):c.66+4A>G

Genes: CD81 (CD81 molecule; plus strand), CD81-AS1 (CD81 antisense RNA 1; minus strand). Cytogenetic location: 11p15.5.
Variant type: single nucleotide variant.
Coding change: c.66+4A>G on transcript NM_004356.4 (MANE Select); 4 bases into the intron after coding-DNA position 66, A replaced by G.
Molecular consequence: intron variant. On other transcripts: non-coding transcript variant (1).
Genome position (GRCh38, 1-based): chr11:2,377,619, A>G. VCF-style: chr11-2377619-A-G. GRCh37 (hg19) VCF-style: chr11-2398849-A-G.
Other names: c.-148+1262A>G (NM_001297649.2).
Identifiers: ClinVar variation 2009735 (VCV002009735.4), dbSNP rs2496448430, ClinGen allele CA472028157.
Genomic context (GRCh38, chr11:2,377,619, plus strand): 5'-GAGGGCTGCACCAAGTGCATCAAGTACCTGCTCTTCGTCTTCAATTTCGTCTTCTGGGTA[A>G]GGGCTGCGCCGGGGGCCGGGGCGGGAGGGGGCAGGCACACACTCCACGTTGGGCAGGTCC-3'

ClinVar aggregate classification (germline): Uncertain significance (1 of 4 stars; one submission).

gnomAD v4.1: 3 of 1,529,022 alleles (0.0002%); highest among the groups gnomAD compares: Non-Finnish European, 0.00027%; no homozygotes.

Submission:

Labcorp Genetics (formerly Invitae), Labcorp
Classification: Uncertain significance. Last evaluated: 2022-06-23. Review status: criteria provided, single submitter. Criteria: Invitae Variant Classification Sherloc (09022015). Collection method: clinical testing. Allele origin: germline.
Comment: This variant is not present in population databases (gnomAD no frequency). This sequence change falls in intron 1 of the CD81 gene. It does not directly change the encoded amino acid sequence of the CD81 protein. It affects a nucleotide within the consensus splice site. This variant has not been reported in the literature in individuals affected with CD81-related conditions. In summary, the available evidence is currently insufficient to determine the role of this variant in disease. Therefore, it has been classified as a Variant of Uncertain Significance. Variants that disrupt the consensus splice site are a relatively common cause of aberrant splicing (PMID: 17576681, 9536098). Algorithms developed to predict the effect of sequence changes on RNA splicing suggest that this variant may create or strengthen a splice site.

Literature cited by the submitters: PubMed 17576681; PubMed 9536098.